The following is an entry in ClinVar:

NM_005911.6(MAT2A):c.318G>T (p.Val106=)

Genes: MAT2A (methionine adenosyltransferase 2A; plus strand), GGCX (gamma-glutamyl carboxylase; minus strand). Cytogenetic location: 2p11.2.
Variant type: single nucleotide variant.
Coding change: c.318G>T on transcript NM_005911.6 (MANE Select); coding-DNA position 318, G replaced by T.
Protein change: p.Val106=; no amino-acid change (valine 106 retained).
Molecular consequence: synonymous variant.
Genome position (GRCh38, 1-based): chr2:85,541,658, G>T. VCF-style: chr2-85541658-G-T. GRCh37 (hg19) VCF-style: chr2-85768781-G-T.
Identifiers: ClinVar variation 391336 (VCV000391336.55), dbSNP rs72940560, ClinGen allele CA1741380.
Genomic context (GRCh38, chr2:85,541,658, plus strand): 5'-GGACGTAAACAAGATGTTGTGTTTTTTGCTTATAGGTTTTGACTACAAGACTTGTAACGT[G>T]CTGGTAGCCTTGGAGCAACAGTCACCAGATATTGCTCAAGGTGTTCATCTTGACAGAAAT-3'
Protein context (NP_005902.1, residues 96-116): SKGFDYKTCN[Val106=]LVALEQQSPD

ClinVar aggregate classification (germline): Benign/Likely benign. Review status: criteria provided, multiple submitters, no conflicts (2 of 4 stars). 5 submissions from 5 submitters: Benign (3); Likely benign (2). Last evaluated 2026-01-18.

Conditions:
Cardiovascular phenotype. Identifiers: MedGen CN230736.
Familial thoracic aortic aneurysm and aortic dissection (TAAD). Also called: Thoracic aortic aneurysms and dissections. Identifiers: Orphanet 91387, MedGen C4707243, MONDO:0019625.

Allele frequency attached by ClinVar (database versions not stated): gnomAD exomes 0.00022 and 0.00061; ExAC 0.00078; gnomAD 0.00210 and 0.00215; 1000 Genomes Project 30x 0.00234; 1000 Genomes Project 0.00240; TOPMed 0.00246; ESP Exome Variant Server 0.00277.

Submissions (5):

Labcorp Genetics (formerly Invitae), Labcorp
Classification: Benign for Familial thoracic aortic aneurysm and aortic dissection. Last evaluated: 2026-01-18. Review status: criteria provided, single submitter. Criteria: Invitae Variant Classification Sherloc (09022015). Collection method: clinical testing. Allele origin: germline.

Blueprint Genetics
Classification: Likely benign. Last evaluated: 2024-09-18. Review status: criteria provided, single submitter. Criteria: ACMG Guidelines, 2015. Collection method: clinical testing. Allele origin: germline.

Women's Health and Genetics/Laboratory Corporation of America, LabCorp
Classification: Benign. Last evaluated: 2023-07-21. Review status: criteria provided, single submitter. Criteria: LabCorp Variant Classification Summary - May 2015. Collection method: clinical testing. Allele origin: germline.

GeneDx
Classification: Likely benign. Last evaluated: 2020-07-20. Review status: criteria provided, single submitter. Criteria: GeneDx Variant Classification Process June 2021. Collection method: clinical testing. Allele origin: germline. Affected: yes.
Comment: This variant is associated with the following publications: (PMID: 21813468)

Ambry Genetics
Classification: Benign for Cardiovascular phenotype. Last evaluated: 2019-03-22. Review status: criteria provided, single submitter. Criteria: Ambry Variant Classification Scheme 2023. Collection method: clinical testing. Allele origin: germline.